The following is an entry in ClinVar:

NM_003560.4(PLA2G6):c.1428-7A>G

Gene: PLA2G6 (phospholipase A2 group VI; minus strand). Cytogenetic location: 22q13.1.
Variant type: single nucleotide variant.
Coding change: c.1428-7A>G on transcript NM_003560.4 (MANE Select); 7 bases into the intron before coding-DNA position 1428, A replaced by G.
Molecular consequence: intron variant.
Genome position (GRCh38, 1-based): chr22:38,123,265, T>C on the plus strand (A>G on the coding strand, the complement: PLA2G6 is on the minus strand). VCF-style: chr22-38123265-T-C. GRCh37 (hg19) VCF-style: chr22-38519272-T-C.
Other names: p.?; c.750-7A>G (NM_001349868.2); c.1266-7A>G (NM_001349866.2, NM_001199562.3, NM_001349865.2 and 1 more transcripts); c.732-7A>G (NM_001349869.2); c.894-7A>G (NM_001349867.2); c.1428-7A>G (NM_001349864.2).
Identifiers: ClinVar variation 2914816 (VCV002914816.4), dbSNP rs1157715134, ClinGen allele CA639395910.

ClinVar aggregate classification (germline): Likely benign. Review status: criteria provided, multiple submitters, no conflicts (2 of 4 stars). 2 submissions from 2 submitters: Likely benign (2). Last evaluated 2025-10-07.

Conditions:
Infantile neuroaxonal dystrophy (NBIA2A). Also called: NEURODEGENERATION WITH BRAIN IRON ACCUMULATION 2A; SEITELBERGER DISEASE; Infantile neuroaxonal dystrophy 1. Identifiers: Orphanet 35069, MedGen C0270724, MONDO:0024457, OMIM 256600.

Allele frequency attached by ClinVar (database versions not stated): TOPMed 0.00001; gnomAD 0.00001.
gnomAD v4.1: 4 of 1,557,302 alleles (0.00026%); highest among the groups gnomAD compares: Admixed American, 0.0019%; no homozygotes.

Submissions (2):

Mayo Clinic Laboratories, Mayo Clinic
Classification: Likely benign. Last evaluated: 2025-10-07. Review status: criteria provided, single submitter. Criteria: ACMG Guidelines, 2015. Collection method: clinical testing. Allele origin: germline. Observed: 1 variant allele.
Comment: BP4, BP7

Labcorp Genetics (formerly Invitae), Labcorp
Classification: Likely benign for Infantile neuroaxonal dystrophy. Last evaluated: 2024-11-16. Review status: criteria provided, single submitter. Criteria: Invitae Variant Classification Sherloc (09022015). Collection method: clinical testing. Allele origin: germline.